The following is an entry in ClinVar:

NM_001105206.3(LAMA4):c.3208G>T (p.Gly1070Cys)

Gene: LAMA4 (laminin subunit alpha 4; minus strand). Cytogenetic location: 6q21.
Variant type: single nucleotide variant.
Coding change: c.3208G>T on transcript NM_001105206.3 (MANE Select); coding-DNA position 3208, G replaced by T.
Protein change: p.Gly1070Cys; replaces glycine 1070 with cysteine.
Molecular consequence: missense variant.
Genome position (GRCh38, 1-based): chr6:112,139,194, C>A on the plus strand (G>T on the coding strand, the complement: LAMA4 is on the minus strand). VCF-style: chr6-112139194-C-A. GRCh37 (hg19) VCF-style: chr6-112460396-C-A.
Other names: c.3187G>T, p.Gly1063Cys (NM_001105207.3, NM_002290.5); short protein forms G1070C, G1063C.
Identifiers: ClinVar variation 2625041 (VCV002625041.2), dbSNP rs2547019307, ClinGen allele CA365378957.
Genomic context (GRCh38, chr6:112,139,194, plus strand): 5'-GGAGAATAAGGCCGTTGTCAGCTGGTGTTCGAACTTCTATGTCAAAGCGAGTCACCTGAC[C>A]AAATTTCCCTCTCCTTGTGATGTCTCTCACCACGGCATAACCGGAGCCATCGAAGAAGTA-3'
Protein context (NP_001098676.2, residues 1060-1080): VRDITRRGKF[Gly1070Cys]QVTRFDIEVR

ClinVar aggregate classification (germline): Uncertain significance (1 of 4 stars; one submission).

Conditions:
Cardiovascular phenotype. Identifiers: MedGen CN230736.

Submission:

Ambry Genetics
Classification: Uncertain significance for Cardiovascular phenotype. Last evaluated: 2023-07-29. Review status: criteria provided, single submitter. Criteria: Ambry Variant Classification Scheme 2023. Collection method: clinical testing. Allele origin: germline.
Comment: The p.G1063C variant (also known as c.3187G>T), located in coding exon 23 of the LAMA4 gene, results from a G to T substitution at nucleotide position 3187. The glycine at codon 1063 is replaced by cysteine, an amino acid with highly dissimilar properties. This amino acid position is conserved. In addition, the in silico prediction for this alteration is inconclusive. Since supporting evidence is limited at this time, the clinical significance of this alteration remains unclear.